The following is an entry in ClinVar:

NM_014865.4(NCAPD2):c.189C>G (p.Ile63Met)

Gene: NCAPD2 (non-SMC condensin I complex subunit D2; plus strand). Cytogenetic location: 12p13.31.
Variant type: single nucleotide variant.
Coding change: c.189C>G on transcript NM_014865.4 (MANE Select); coding-DNA position 189, C replaced by G.
Protein change: p.Ile63Met; replaces isoleucine 63 with methionine.
Molecular consequence: missense variant.
Genome position (GRCh38, 1-based): chr12:6,509,778, C>G. VCF-style: chr12-6509778-C-G. GRCh37 (hg19) VCF-style: chr12-6618944-C-G.
Other names: c.189C>G (NM_014865.3); short protein forms I63M.
Identifiers: ClinVar variation 3373181 (VCV003373181.2).

ClinVar aggregate classification (germline): Conflicting classifications of pathogenicity. Review status: criteria provided, conflicting classifications (1 of 4 stars). 2 submissions from 2 submitters: Uncertain significance (1); Likely benign (1). Last evaluated 2025-04-04.

Conditions:
Inborn genetic diseases. Identifiers: MedGen C0950123, MeSH D030342.

gnomAD v4.1: 185 of 1,614,026 alleles (0.011%); highest among the groups gnomAD compares: African/African-American, 0.22%; 2 homozygotes.

Submissions (2):

Ambry Genetics
Classification: Likely benign for Inborn genetic diseases. Last evaluated: 2025-04-04. Review status: criteria provided, single submitter. Criteria: Ambry Variant Classification Scheme 2023. Collection method: clinical testing. Allele origin: germline.

GeneDx
Classification: Uncertain significance. Last evaluated: 2024-02-27. Review status: criteria provided, single submitter. Criteria: GeneDx Variant Classification Process June 2021. Collection method: clinical testing. Allele origin: germline. Affected: yes.
Comment: In silico analysis supports that this missense variant does not alter protein structure/function; Has not been previously published as pathogenic or benign to our knowledge